The following is an entry in ClinVar:

NM_001384732.1(CPLANE1):c.5907C>T (p.Ile1969=)

Gene: CPLANE1 (ciliogenesis and planar polarity effector complex subunit 1; minus strand). Cytogenetic location: 5p13.2.
Variant type: single nucleotide variant.
Coding change: c.5907C>T on transcript NM_001384732.1 (MANE Select); coding-DNA position 5907, C replaced by T.
Protein change: p.Ile1969=; no amino-acid change (isoleucine 1969 retained).
Molecular consequence: synonymous variant.
Genome position (GRCh38, 1-based): chr5:37,175,980, G>A on the plus strand (C>T on the coding strand, the complement: CPLANE1 is on the minus strand). VCF-style: chr5-37175980-G-A. GRCh37 (hg19) VCF-style: chr5-37176082-G-A.
Other names: c.5907C>T, p.Ile1969= (NM_023073.4).
Identifiers: ClinVar variation 1896425 (VCV001896425.9), dbSNP rs912803307, ClinGen allele CA117064469.

ClinVar aggregate classification (germline): Likely benign. Review status: criteria provided, multiple submitters, no conflicts (2 of 4 stars). 2 submissions from 2 submitters: Likely benign (2). Last evaluated 2026-03-01.

Allele frequency attached by ClinVar (database versions not stated): gnomAD 0.00003.
gnomAD v4.1: 12 of 1,608,512 alleles (0.00075%); highest among the groups gnomAD compares: Admixed American, 0.0033%; no homozygotes.

Submissions (2):

CeGaT Center for Human Genetics Tuebingen
Classification: Likely benign. Last evaluated: 2026-03-01. Review status: criteria provided, single submitter. Criteria: CeGaT Center For Human Genetics Tuebingen Variant Classification Criteria Version 2. Collection method: clinical testing. Allele origin: germline. Affected: yes. Observed: 1 variant allele.
Comment: CPLANE1: BP4, BP7

Labcorp Genetics (formerly Invitae), Labcorp
Classification: Likely benign. Last evaluated: 2025-02-27. Review status: criteria provided, single submitter. Criteria: Invitae Variant Classification Sherloc (09022015). Collection method: clinical testing. Allele origin: germline.